The following is an entry in ClinVar:

ClinVar aggregate classification (germline): Likely pathogenic (1 of 4 stars; one submission).

Submission:

Labcorp Genetics (formerly Invitae), Labcorp
Classification: Likely pathogenic. Last evaluated: 2023-02-22. Review status: criteria provided, single submitter. Criteria: Invitae Variant Classification Sherloc (09022015). Collection method: clinical testing. Allele origin: germline.
Comment: This variant is not present in population databases (gnomAD no frequency). In summary, the currently available evidence indicates that the variant is pathogenic, but additional data are needed to prove that conclusively. Therefore, this variant has been classified as Likely Pathogenic. Algorithms developed to predict the effect of sequence changes on RNA splicing suggest that this variant may disrupt the consensus splice site. This variant has not been reported in the literature in individuals affected with TULP1-related conditions. This sequence change affects a donor splice site in intron 8 of the TULP1 gene. It is expected to disrupt RNA splicing. Variants that disrupt the donor or acceptor splice site typically lead to a loss of protein function (PMID: 16199547), and loss-of-function variants in TULP1 are known to be pathogenic (PMID: 8606774, 10549638, 15024725, 18055821).

Literature cited by the submitters: PubMed 16199547; PubMed 8606774; PubMed 10549638; PubMed 15024725; PubMed 18055821.

NM_003322.6(TULP1):c.822+1G>C

Gene: TULP1 (TUB like protein 1; minus strand). Cytogenetic location: 6p21.31.
Variant type: single nucleotide variant.
Coding change: c.822+1G>C on transcript NM_003322.6 (MANE Select); the canonical splice donor site of the intron after coding-DNA position 822, G replaced by C.
Molecular consequence: splice donor variant.
Genome position (GRCh38, 1-based): chr6:35,509,208, C>G on the plus strand (G>C on the coding strand, the complement: TULP1 is on the minus strand). VCF-style: chr6-35509208-C-G. GRCh37 (hg19) VCF-style: chr6-35476985-C-G.
Other names: c.663+1G>C (NM_001289395.2).
Identifiers: ClinVar variation 2839723 (VCV002839723.3), dbSNP rs1256961949, ClinGen allele CA363780994.